The following is an entry in ClinVar:

ClinVar aggregate classification (germline): Conflicting classifications of pathogenicity. Review status: criteria provided, conflicting classifications (1 of 4 stars). 4 submissions from 4 submitters: Uncertain significance (2); Likely benign (1). 1 of the submissions does not count toward it. Last evaluated 2025-07-30.

Conditions:
Hereditary cancer-predisposing syndrome. Also called: Hereditary Cancer Syndrome; Hereditary neoplastic syndrome; Neoplastic Syndromes, Hereditary; Tumor predisposition. Identifiers: Orphanet 140162, MedGen C0027672, MeSH D009386, MONDO:0015356.
Hereditary breast ovarian cancer syndrome. Also called: BRCA1- and BRCA2-Associated Hereditary Breast and Ovarian Cancer; Hereditary breast and ovarian cancer syndrome; Hereditary breast and ovarian cancer syndrome (HBOC); Breast and ovarian cancer; Hereditary breast and/or ovarian cancer syndrome; Hereditary breast and ovarian cancer. Identifiers: Orphanet 145, MedGen C0677776, MeSH D061325, MONDO:0003582. Disease mechanism: loss of function.
Breast-ovarian cancer, familial, susceptibility to, 1 (BROVCA1). Also called: BRCA1 Hereditary Breast and Ovarian Cancer; OVARIAN CANCER, SUSCEPTIBILITY TO. Identifiers: Orphanet 145, MedGen C2676676, MONDO:0011450, OMIM 604370. Disease mechanism: loss of function.

Submissions (4):

Labcorp Genetics (formerly Invitae), Labcorp
Classification: Uncertain significance for Hereditary breast ovarian cancer syndrome. Last evaluated: 2025-07-30. Review status: criteria provided, single submitter. Criteria: Invitae Variant Classification Sherloc (09022015). Collection method: clinical testing. Allele origin: germline.
Comment: This sequence change replaces serine, which is neutral and polar, with phenylalanine, which is neutral and non-polar, at codon 615 of the BRCA1 protein (p.Ser615Phe). This variant is not present in population databases (gnomAD no frequency). This variant has not been reported in the literature in individuals affected with BRCA1-related conditions. ClinVar contains an entry for this variant (Variation ID: 91566). Invitae Evidence Modeling of protein sequence and biophysical properties (such as structural, functional, and spatial information, amino acid conservation, physicochemical variation, residue mobility, and thermodynamic stability) indicates that this missense variant is not expected to disrupt BRCA1 protein function with a negative predictive value of 80%. In summary, the available evidence is currently insufficient to determine the role of this variant in disease. Therefore, it has been classified as a Variant of Uncertain Significance.

Ambry Genetics
Classification: Uncertain significance for Hereditary cancer-predisposing syndrome. Last evaluated: 2023-11-06. Review status: criteria provided, single submitter. Criteria: Ambry Variant Classification Scheme 2023. Collection method: clinical testing. Allele origin: germline.
Comment: The p.S615F variant (also known as c.1844C>T), located in coding exon 9 of the BRCA1 gene, results from a C to T substitution at nucleotide position 1844. The serine at codon 615 is replaced by phenylalanine, an amino acid with highly dissimilar properties. This variant has been reported in 1/1120 pediatric cancer patients who underwent whole genome sequencing and/or whole exome sequencing; this patient was diagnosed with an ependymoma (Zhang J et al. N Engl J Med, 2015 Dec;373:2336-2346). This amino acid position is not well conserved in available vertebrate species. In addition, the in silico prediction for this alteration is inconclusive. Since supporting evidence is limited at this time, the clinical significance of this alteration remains unclear.

University of Washington Department of Laboratory Medicine, University of Washington
Classification: Likely benign for Hereditary cancer-predisposing syndrome. Last evaluated: 2023-03-23. Review status: criteria provided, single submitter. Criteria: Dines et al. (Genet Med. 2020). Collection method: curation. Allele origin: germline.
Comment: Missense variant in a coldspot region where missense variants are very unlikely to be pathogenic (PMID:31911673).

BRCA1 coldspot (exon 11 using historical exon numbering). Reclassification based on statistical prior probability

Sharing Clinical Reports Project (SCRP)
Classification: Uncertain significance for Breast-ovarian cancer, familial 1. Last evaluated: 2012-02-03. Review status: no assertion criteria provided. Collection method: clinical testing. Allele origin: germline. Not counted in ClinVar's aggregate classification.

Literature cited by the submitters: PubMed 26580448 (cited by Ambry Genetics).

NM_007294.4(BRCA1):c.1844C>T (p.Ser615Phe)

Gene: BRCA1 (BRCA1 DNA repair associated; minus strand). Cytogenetic location: 17q21.31.
Variant type: single nucleotide variant.
Coding change: c.1844C>T on transcript NM_007294.4 (MANE Select); coding-DNA position 1844, C replaced by T.
Protein change: p.Ser615Phe; replaces serine 615 with phenylalanine.
Molecular consequence: missense variant. On other transcripts: intron variant (137).
Genome position (GRCh38, 1-based): chr17:43,093,687, G>A on the plus strand (C>T on the coding strand, the complement: BRCA1 is on the minus strand). VCF-style: chr17-43093687-G-A. GRCh37 (hg19) VCF-style: chr17-41245704-G-A.
Other names: 1963C>T; c.1631C>T, p.Ser544Phe (NM_001407894.1, NM_001407895.1, NM_001407896.1 and 9 more transcripts); c.1721C>T, p.Ser574Phe (NM_001407919.1, NM_001407937.1, NM_001407938.1 and 19 more transcripts); c.1580C>T, p.Ser527Phe (NM_001407920.1, NM_001407921.1, NM_001407922.1 and 9 more transcripts); c.1577C>T, p.Ser526Phe (NM_001407934.1, NM_001407936.1, NM_001407930.1 and 2 more transcripts); c.1718C>T, p.Ser573Phe (NM_001407940.1, NM_001407941.1, NM_001407685.1 and 11 more transcripts); c.1703C>T, p.Ser568Phe (NM_001407942.1, NM_007297.4, NM_001407698.1 and 29 more transcripts); c.1511C>T, p.Ser504Phe (NM_001407953.1, NM_001407957.1, NM_001407946.1 and 6 more transcripts); and 41 more; short protein forms S615F, S568F, S447F, S545F, S573F, S589F, S488F, S503F.
Identifiers: ClinVar variation 91566 (VCV000091566.17), dbSNP rs398122645, ClinGen allele CA001201.